The following is an entry in ClinVar:

ClinVar aggregate classification (germline): Uncertain significance (1 of 4 stars; one submission).

Conditions:
Pigmentary pallidal degeneration (NBIA1). Also called: Neuroaxonal dystrophy, late infantile; Hallervorden-Spatz disease; Pantothenate Kinase-Associated Neurodegeneration; Neurodegeneration with brain iron accumulation 1; PKAN NEUROAXONAL DYSTROPHY, JUVENILE-ONSET; HARP SYNDROME. Identifiers: Orphanet 157850, MedGen C0018523, MONDO:0009319, OMIM 234200.

gnomAD v4.1: 1 of 1,613,720 alleles (0.000062%); highest among the groups gnomAD compares: Non-Finnish European, 0.000085%; no homozygotes.

Submission:

Neuberg Centre For Genomic Medicine, NCGM
Classification: Uncertain significance for Pigmentary pallidal degeneration. Review status: criteria provided, single submitter. Criteria: ACMG Guidelines, 2015. Collection method: clinical testing. Allele origin: germline. Inheritance: Autosomal recessive inheritance. Affected: yes.
Comment: The intronic variant in c.1537-11G>A in PANK2 gene has not been reported previously as a pathogenic variant nor as a benign variant, to our knowledge. The c.1537-11G>A variant is novel (not in any individuals) in gnomAD Exomes and 1000 Genomes. For these reasons, this variant has been classified as Variant of Uncertain Significance.

NM_001386393.1(PANK2):c.1207-11G>A

Gene: PANK2 (pantothenate kinase 2; plus strand). Cytogenetic location: 20p13.
Variant type: single nucleotide variant.
Coding change: c.1207-11G>A on transcript NM_001386393.1 (MANE Select); 11 bases into the intron before coding-DNA position 1207, G replaced by A.
Molecular consequence: intron variant.
Genome position (GRCh38, 1-based): chr20:3,918,660, G>A. VCF-style: chr20-3918660-G-A. GRCh37 (hg19) VCF-style: chr20-3899307-G-A.
Other names: c.664-11G>A (NM_024960.6, NM_001324191.2, NM_153640.4); c.1537-11G>A (NM_153638.4); c.229-11G>A (NM_001324193.2).
Identifiers: ClinVar variation 2585445 (VCV002585445.1), dbSNP rs753139032, ClinGen allele CA2582342966.